The following is an entry in ClinVar:

NM_004655.4(AXIN2):c.*469T>C

Gene: AXIN2 (axin 2; minus strand). Cytogenetic location: 17q24.1.
Variant type: single nucleotide variant.
Coding change: c.*469T>C on transcript NM_004655.4 (MANE Select); 469 bases downstream of the stop codon, T replaced by C.
Molecular consequence: 3 prime UTR variant.
Genome position (GRCh38, 1-based): chr17:65,529,507, A>G on the plus strand (T>C on the coding strand, the complement: AXIN2 is on the minus strand). VCF-style: chr17-65529507-A-G. GRCh37 (hg19) VCF-style: chr17-63525625-A-G.
Other names: c.*469T>C (NM_001363813.1, LRG_296t1).
Identifiers: ClinVar variation 324636 (VCV000324636.29), dbSNP rs567413750, ClinGen allele CA10650734.

ClinVar aggregate classification (germline): Conflicting classifications of pathogenicity. Review status: criteria provided, conflicting classifications (1 of 4 stars). 2 submissions from 2 submitters: Uncertain significance (1); Benign (1). Last evaluated 2022-08-01.

Conditions:
Oligodontia-cancer predisposition syndrome. Also called: TOOTH AGENESIS-COLORECTAL CANCER SYNDROME. Identifiers: Orphanet 300576, MedGen C1837750, MONDO:0012075, OMIM 608615. Disease mechanism: loss of function.

Allele frequency attached by ClinVar (database versions not stated): gnomAD 0.00089 and 0.00086; 1000 Genomes Project 30x 0.00016; 1000 Genomes Project 0.00020; TOPMed 0.00084; gnomAD exomes 0.00088.
gnomAD v4.1: 270 of 315,516 alleles (0.086%); highest among the groups gnomAD compares: Admixed American, 0.12%; no homozygotes.

Submissions (2):

CeGaT Center for Human Genetics Tuebingen
Classification: Benign. Last evaluated: 2022-08-01. Review status: criteria provided, single submitter. Criteria: CeGaT Center For Human Genetics Tuebingen Variant Classification Criteria Version 2. Collection method: clinical testing. Allele origin: germline. Affected: yes. Observed: 2 variant alleles.
Comment: AXIN2: BS1, BS2

Illumina Laboratory Services, Illumina
Classification: Uncertain significance for Oligodontia-cancer predisposition syndrome. Last evaluated: 2018-01-12. Review status: criteria provided, single submitter. Criteria: ICSL Variant Classification Criteria 13 December 2019. Collection method: clinical testing. Allele origin: germline.